The following is an entry in ClinVar:

ClinVar aggregate classification (germline): Uncertain significance. Review status: criteria provided, multiple submitters, no conflicts (2 of 4 stars). 2 submissions from 2 submitters: Uncertain significance (2). Last evaluated 2025-11-26.

Conditions:
Inborn genetic diseases. Identifiers: MedGen C0950123, MeSH D030342.

Allele frequency attached by ClinVar (database versions not stated): TOPMed below 0.00001; ExAC 0.00001; gnomAD 0.00001.
gnomAD v4.1: 8 of 1,613,942 alleles (0.0005%); highest among the groups gnomAD compares: African/African-American, 0.0013%; no homozygotes.

Submissions (2):

Ambry Genetics
Classification: Uncertain significance for Inborn genetic diseases. Last evaluated: 2025-11-26. Review status: criteria provided, single submitter. Criteria: Ambry Variant Classification Scheme 2023. Collection method: clinical testing. Allele origin: germline.

Labcorp Genetics (formerly Invitae), Labcorp
Classification: Uncertain significance. Last evaluated: 2023-05-01. Review status: criteria provided, single submitter. Criteria: Invitae Variant Classification Sherloc (09022015). Collection method: clinical testing. Allele origin: germline.
Comment: In summary, the available evidence is currently insufficient to determine the role of this variant in disease. Therefore, it has been classified as a Variant of Uncertain Significance. An algorithm developed to predict the effect of missense changes on protein structure and function (PolyPhen-2) suggests that this variant is likely to be tolerated. This variant has not been reported in the literature in individuals affected with ANKRD26-related conditions. This variant is present in population databases (rs756257659, gnomAD 0.007%). This sequence change replaces threonine, which is neutral and polar, with alanine, which is neutral and non-polar, at codon 1599 of the ANKRD26 protein (p.Thr1599Ala).

NM_014915.3(ANKRD26):c.4795A>G (p.Thr1599Ala)

Gene: ANKRD26 (ankyrin repeat domain 26; minus strand). Cytogenetic location: 10p12.1.
Variant type: single nucleotide variant.
Coding change: c.4795A>G on transcript NM_014915.3 (MANE Select); coding-DNA position 4795, A replaced by G.
Protein change: p.Thr1599Ala; replaces threonine 1599 with alanine.
Molecular consequence: missense variant.
Genome position (GRCh38, 1-based): chr10:27,013,040, T>C on the plus strand (A>G on the coding strand, the complement: ANKRD26 is on the minus strand). VCF-style: chr10-27013040-T-C. GRCh37 (hg19) VCF-style: chr10-27301969-T-C.
Other names: c.4792A>G, p.Thr1598Ala (NM_001256053.2); short protein forms T1599A, T1598A.
Identifiers: ClinVar variation 2887661 (VCV002887661.5), dbSNP rs756257659, ClinGen allele CA5447714.